The following is an entry in ClinVar:

NM_014003.4(DHX38):c.1818C>T (p.Gly606=)

Gene: DHX38 (DEAH-box helicase 38; plus strand). Cytogenetic location: 16q22.2.
Variant type: single nucleotide variant.
Coding change: c.1818C>T on transcript NM_014003.4 (MANE Select); coding-DNA position 1818, C replaced by T.
Protein change: p.Gly606=; no amino-acid change (glycine 606 retained).
Molecular consequence: synonymous variant.
Genome position (GRCh38, 1-based): chr16:72,103,782, C>T. VCF-style: chr16-72103782-C-T. GRCh37 (hg19) VCF-style: chr16-72137681-C-T.
Identifiers: ClinVar variation 732568 (VCV000732568.14), dbSNP rs201129506, ClinGen allele CA8160406.
Genomic context (GRCh38, chr16:72,103,782, plus strand): 5'-GCGTGTAGCTGCCATGTCAGTGGCCAAGAGAGTCAGTGAAGAGATGGGGGGAAACCTTGG[C>T]GAGGAGGTGAGTGGGCGTGGGGGCTGAGCCATGTAGTTATTCCCTAGTAGCTTCCACCCA-3'
Protein context (NP_054722.2, residues 596-616): RVSEEMGGNL[Gly606=]EEVGYAIRFE

ClinVar aggregate classification (germline): Benign/Likely benign. Review status: criteria provided, multiple submitters, no conflicts (2 of 4 stars). 4 submissions from 4 submitters: Benign (1); Likely benign (2). 1 of the submissions does not count toward it. Last evaluated 2025-12-15.

Conditions:
DHX38-related disorder. Also called: DHX38-related condition.
Retinal dystrophy. Also called: Inherited retinal dystrophy. Identifiers: Orphanet 71862, MedGen C0854723, MeSH D058499, MONDO:0019118, HP:0000556.

Allele frequency attached by ClinVar (database versions not stated): gnomAD 0.00019 and 0.00027; gnomAD exomes 0.00023 and 0.00055; TOPMed 0.00042; ExAC 0.00048; 1000 Genomes Project 30x 0.00109; 1000 Genomes Project 0.00140.
gnomAD v4.1: 387 of 1,609,348 alleles (0.024%); highest among the groups gnomAD compares: East Asian, 0.44%; no homozygotes.

Submissions (8):

Labcorp Genetics (formerly Invitae), Labcorp
Classification: Benign. Last evaluated: 2025-12-15. Review status: criteria provided, single submitter. Criteria: Invitae Variant Classification Sherloc (09022015). Collection method: clinical testing. Allele origin: germline.

Blueprint Genetics
Classification: Likely benign. Last evaluated: 2024-09-16. Review status: criteria provided, single submitter. Criteria: ACMG Guidelines, 2015. Collection method: clinical testing. Allele origin: germline.

Dept Of Ophthalmology, Nagoya University
Classification: Likely benign for Retinal dystrophy. Last evaluated: 2023-10-01. Review status: criteria provided, single submitter. Criteria: Submitter's publication. Collection method: research. Allele origin: germline. Affected: yes.

PreventionGenetics, part of Exact Sciences
Classification: Likely benign for DHX38-related condition. Last evaluated: 2019-07-18. Review status: no assertion criteria provided. Collection method: clinical testing. Allele origin: germline. Not counted in ClinVar's aggregate classification.
Comment: This variant is classified as likely benign based on ACMG/AMP sequence variant interpretation guidelines (Richards et al. 2015 PMID: 25741868, with internal and published modifications).

Dr. Peter K. Rogan Lab, Western University
No classification provided (evidence only). Condition: Acute myeloid leukemia. Review status: no classification provided. Collection method: in vitro. Allele origin: not applicable. Functional consequence: retained intron. Not counted in ClinVar's aggregate classification.

Dr. Peter K. Rogan Lab, Western University
No classification provided (evidence only). Condition: Gastric cancer. Review status: no classification provided. Collection method: in vitro. Allele origin: not applicable. Functional consequence: retained intron. Not counted in ClinVar's aggregate classification.

Dr. Peter K. Rogan Lab, Western University
No classification provided (evidence only). Condition: Adrenocortical carcinoma, hereditary. Review status: no classification provided. Collection method: in vitro. Allele origin: not applicable. Functional consequence: retained intron. Not counted in ClinVar's aggregate classification.

Dr. Peter K. Rogan Lab, Western University
No classification provided (evidence only). Condition: Malignant tumor of esophagus. Review status: no classification provided. Collection method: in vitro. Allele origin: not applicable. Functional consequence: retained intron. Not counted in ClinVar's aggregate classification.